The following is an entry in ClinVar:

ClinVar aggregate classification (germline): Uncertain significance (1 of 4 stars; one submission).

Conditions:
Werner syndrome (WRN). Identifiers: Orphanet 902, MedGen C0043119, MONDO:0010196, OMIM 277700.

Allele frequency attached by ClinVar (database versions not stated): gnomAD exomes 0.00001.
gnomAD v4.1: 9 of 1,613,734 alleles (0.00056%); highest among the groups gnomAD compares: Non-Finnish European, 0.00068%; no homozygotes.

Submission:

Labcorp Genetics (formerly Invitae), Labcorp
Classification: Uncertain significance for Werner syndrome. Last evaluated: 2022-11-12. Review status: criteria provided, single submitter. Criteria: Invitae Variant Classification Sherloc (09022015). Collection method: clinical testing. Allele origin: germline.
Comment: This sequence change replaces valine, which is neutral and non-polar, with isoleucine, which is neutral and non-polar, at codon 138 of the WRN protein (p.Val138Ile). This variant is not present in population databases (gnomAD no frequency). This variant has not been reported in the literature in individuals affected with WRN-related conditions. Algorithms developed to predict the effect of missense changes on protein structure and function output the following: SIFT: "Not Available"; PolyPhen-2: "Benign"; Align-GVGD: "Not Available". The isoleucine amino acid residue is found in multiple mammalian species, which suggests that this missense change does not adversely affect protein function. In summary, the available evidence is currently insufficient to determine the role of this variant in disease. Therefore, it has been classified as a Variant of Uncertain Significance.

NM_000553.6(WRN):c.412G>A (p.Val138Ile)

Gene: WRN (WRN RecQ like helicase; plus strand). Cytogenetic location: 8p12.
Variant type: single nucleotide variant.
Coding change: c.412G>A on transcript NM_000553.6 (MANE Select); coding-DNA position 412, G replaced by A.
Protein change: p.Val138Ile; replaces valine 138 with isoleucine.
Molecular consequence: missense variant.
Genome position (GRCh38, 1-based): chr8:31,064,971, G>A. VCF-style: chr8-31064971-G-A. GRCh37 (hg19) VCF-style: chr8-30922487-G-A.
Other names: short protein forms V138I.
Identifiers: ClinVar variation 2726790 (VCV002726790.3), dbSNP rs2130036443, ClinGen allele CA370914743.